The following is an entry in ClinVar:

ClinVar aggregate classification (germline): Uncertain significance (1 of 4 stars; one submission).

Conditions:
Cardiovascular phenotype. Identifiers: MedGen CN230736.

gnomAD v4.1: 1 of 1,614,246 alleles (0.000062%); highest among the groups gnomAD compares: Non-Finnish European, 0.000085%; no homozygotes.

Submission:

Ambry Genetics
Classification: Uncertain significance for Cardiovascular phenotype. Last evaluated: 2024-10-14. Review status: criteria provided, single submitter. Criteria: Ambry Variant Classification Scheme 2023. Collection method: clinical testing. Allele origin: germline.
Comment: The p.K91Q variant (also known as c.271A>C), located in coding exon 3 of the ACTN2 gene, results from an A to C substitution at nucleotide position 271. The lysine at codon 91 is replaced by glutamine, an amino acid with similar properties. This amino acid position is conserved. In addition, this alteration is predicted to be deleterious by in silico analysis. Based on the available evidence, the clinical significance of this variant remains unclear.

NM_001103.4(ACTN2):c.271A>C (p.Lys91Gln)

Gene: ACTN2 (actinin alpha 2; plus strand). Cytogenetic location: 1q43.
Variant type: single nucleotide variant.
Coding change: c.271A>C on transcript NM_001103.4 (MANE Select); coding-DNA position 271, A replaced by C.
Protein change: p.Lys91Gln; replaces lysine 91 with glutamine.
Molecular consequence: missense variant. On other transcripts: non-coding transcript variant (1).
Genome position (GRCh38, 1-based): chr1:236,718,923, A>C. VCF-style: chr1-236718923-A-C. GRCh37 (hg19) VCF-style: chr1-236882223-A-C.
Other names: c.271A>C, p.Lys91Gln (NM_001278343.2); short protein forms K91Q.
Identifiers: ClinVar variation 3484193 (VCV003484193.1).